The following is an entry in ClinVar:

NM_007199.3(IRAK3):c.511A>G (p.Ile171Val)

Gene: IRAK3 (interleukin 1 receptor associated kinase 3; plus strand). Cytogenetic location: 12q14.3.
Variant type: single nucleotide variant.
Coding change: c.511A>G on transcript NM_007199.3 (MANE Select); coding-DNA position 511, A replaced by G.
Protein change: p.Ile171Val; replaces isoleucine 171 with valine.
Molecular consequence: missense variant.
Genome position (GRCh38, 1-based): chr12:66,211,520, A>G. VCF-style: chr12-66211520-A-G. GRCh37 (hg19) VCF-style: chr12-66605300-A-G.
Other names: c.328A>G, p.Ile110Val (NM_001142523.2); short protein forms I110V, I171V.
Identifiers: ClinVar variation 3052038 (VCV003052038.2), dbSNP rs34682166, ClinGen allele CA6672663.

ClinVar aggregate classification (germline): Likely benign (0 of 4 stars; one submission).

Conditions:
IRAK3-related disorder. Also called: IRAK3-related condition.

Allele frequency attached by ClinVar (database versions not stated): TOPMed 0.00014; gnomAD exomes 0.00043; ExAC 0.00088; 1000 Genomes Project 30x 0.00219; 1000 Genomes Project 0.00280.
gnomAD v4.1: 682 of 1,608,982 alleles (0.042%); highest among the groups gnomAD compares: South Asian, 0.5%; 3 homozygotes.

Submission:

PreventionGenetics, part of Exact Sciences
Classification: Likely benign for IRAK3-related condition. Last evaluated: 2020-11-30. Review status: no assertion criteria provided. Collection method: clinical testing. Allele origin: germline.
Comment: This variant is classified as likely benign based on ACMG/AMP sequence variant interpretation guidelines (Richards et al. 2015 PMID: 25741868, with internal and published modifications).